The following is an entry in ClinVar:

NM_000548.5(TSC2):c.2866G>T (p.Gly956Cys)

Gene: TSC2 (TSC complex subunit 2; plus strand). Cytogenetic location: 16p13.3.
Variant type: single nucleotide variant.
Coding change: c.2866G>T on transcript NM_000548.5 (MANE Select); coding-DNA position 2866, G replaced by T.
Protein change: p.Gly956Cys; replaces glycine 956 with cysteine.
Molecular consequence: missense variant. On other transcripts: intron variant (9).
Genome position (GRCh38, 1-based): chr16:2,077,626, G>T. VCF-style: chr16-2077626-G-T. GRCh37 (hg19) VCF-style: chr16-2127627-G-T.
Other names: c.2866G>T (NM_000548.3); c.2866G>T, p.Gly956Cys (NM_001114382.3); c.2837+1041G>T (NM_021055.3, NM_001370405.1, NM_001363528.2 and 2 more transcripts); c.2726+1041G>T (NM_001318827.2); c.2237+1041G>T (NM_001318831.2); c.2690+1041G>T (NM_001318829.2); c.2870+1041G>T (NM_001318832.2); short protein forms G956C.
Identifiers: ClinVar variation 1431030 (VCV001431030.7), dbSNP rs769199118, ClinGen allele CA042481.
Genomic context (GRCh38, chr16:2,077,626, plus strand): 5'-TGGGGCGTTGGGGCTCCTTCCTCACCCGATAGTCTGAGGATAGCCAGACCCCCCAAACAA[G>T]GCTTGAATAACTCTCCACCCGTGAAAGAATTCAAGGAGAGCTCTGCAGCCGAGGCCTTCC-3'
Protein context (NP_000539.2, residues 946-966): SLRIARPPKQ[Gly956Cys]LNNSPPVKEF

ClinVar aggregate classification (germline): Conflicting classifications of pathogenicity. Review status: criteria provided, conflicting classifications (1 of 4 stars). 2 submissions from 2 submitters: Uncertain significance (1); Benign (1). Last evaluated 2025-04-30.

Conditions:
Hereditary cancer-predisposing syndrome. Also called: Neoplastic Syndromes, Hereditary; Hereditary Cancer Syndrome; Tumor predisposition; Hereditary neoplastic syndrome. Identifiers: Orphanet 140162, MedGen C0027672, MeSH D009386, MONDO:0015356.
Tuberous sclerosis 2 (TSC2). Identifiers: Orphanet 805, MedGen C1860707, MONDO:0013199, OMIM 613254.

Allele frequency attached by ClinVar (database versions not stated): gnomAD exomes below 0.00001; ExAC 0.00001.
gnomAD v4.1: 3 of 1,613,178 alleles (0.00019%); highest among the groups gnomAD compares: Admixed American, 0.005%; no homozygotes.

Submissions (2):

Labcorp Genetics (formerly Invitae), Labcorp
Classification: Benign for Tuberous sclerosis 2. Last evaluated: 2025-04-30. Review status: criteria provided, single submitter. Criteria: Invitae Variant Classification Sherloc (09022015). Collection method: clinical testing. Allele origin: germline.

Ambry Genetics
Classification: Uncertain significance for Hereditary cancer-predisposing syndrome. Last evaluated: 2025-03-04. Review status: criteria provided, single submitter. Criteria: Ambry Variant Classification Scheme 2023. Collection method: clinical testing. Allele origin: germline.
Comment: The p.G956C variant (also known as c.2866G>T), located in coding exon 25 of the TSC2 gene, results from a G to T substitution at nucleotide position 2866. The glycine at codon 956 is replaced by cysteine, an amino acid with highly dissimilar properties. This amino acid position is conserved. In addition, this alteration is predicted to be deleterious by in silico analysis. Based on the available evidence, the clinical significance of this variant remains unclear.